The following is an entry in ClinVar:

NM_001098426.2(SMARCD2):c.293G>T (p.Gly98Val)

Gene: SMARCD2 (SWI/SNF related BAF chromatin remodeling complex subunit D2; minus strand). Cytogenetic location: 17q23.3.
Variant type: single nucleotide variant.
Coding change: c.293G>T on transcript NM_001098426.2 (MANE Select); coding-DNA position 293, G replaced by T.
Protein change: p.Gly98Val; replaces glycine 98 with valine.
Molecular consequence: missense variant.
Genome position (GRCh38, 1-based): chr17:63,837,549, C>A on the plus strand (G>T on the coding strand, the complement: SMARCD2 is on the minus strand). VCF-style: chr17-63837549-C-A. GRCh37 (hg19) VCF-style: chr17-61914909-C-A.
Other names: c.68G>T, p.Gly23Val (NM_001330439.1); c.149G>T, p.Gly50Val (NM_001330440.2); short protein forms G23V, G50V, G98V.
Identifiers: ClinVar variation 1946191 (VCV001946191.5), dbSNP rs2511445616, ClinGen allele CA400601657.
Genomic context (GRCh38, chr17:63,837,549, plus strand): 5'-CGTTTTCGGAATGGATCCATCATGGTGGGTGGCATGCCAGGTCGAAGCGGAGCTGCTGCA[C>A]CAAATGGGGAGCCAGCAGGGGGTCCCACCTGCAAGCCAGCCATGGGCATCCGGTTCCCTG-3'
Protein context (NP_001091896.1, residues 88-108): QVGPPAGSPF[Gly98Val]AAAPLRPGMP

ClinVar aggregate classification (germline): Uncertain significance (1 of 4 stars; one submission).

Submission:

Labcorp Genetics (formerly Invitae), Labcorp
Classification: Uncertain significance. Last evaluated: 2022-07-25. Review status: criteria provided, single submitter. Criteria: Invitae Variant Classification Sherloc (09022015). Collection method: clinical testing. Allele origin: germline.
Comment: In summary, the available evidence is currently insufficient to determine the role of this variant in disease. Therefore, it has been classified as a Variant of Uncertain Significance. Algorithms developed to predict the effect of sequence changes on RNA splicing suggest that this variant may create or strengthen a splice site. Algorithms developed to predict the effect of missense changes on protein structure and function are either unavailable or do not agree on the potential impact of this missense change (SIFT: "Deleterious"; PolyPhen-2: "Possibly Damaging"; Align-GVGD: "Class C0"). This variant has not been reported in the literature in individuals affected with SMARCD2-related conditions. This variant is not present in population databases (gnomAD no frequency). This sequence change replaces glycine, which is neutral and non-polar, with valine, which is neutral and non-polar, at codon 98 of the SMARCD2 protein (p.Gly98Val).